The following is an entry in ClinVar:

NM_020312.4(COQ9):c.920C>T (p.Thr307Met)

Gene: COQ9 (coenzyme Q9; plus strand). Cytogenetic location: 16q21.
Variant type: single nucleotide variant.
Coding change: c.920C>T on transcript NM_020312.4 (MANE Select); coding-DNA position 920, C replaced by T.
Protein change: p.Thr307Met; replaces threonine 307 with methionine.
Molecular consequence: missense variant.
Genome position (GRCh38, 1-based): chr16:57,460,103, C>T. VCF-style: chr16-57460103-C-T. GRCh37 (hg19) VCF-style: chr16-57494015-C-T.
Other names: short protein forms T307M.
Identifiers: ClinVar variation 2167477 (VCV002167477.1), dbSNP rs780563472, ClinGen allele CA8076386.

ClinVar aggregate classification (germline): Uncertain significance (1 of 4 stars; one submission).

Allele frequency attached by ClinVar (database versions not stated): ExAC 0.00001; gnomAD 0.00001; gnomAD exomes 0.00001; TOPMed 0.00002.

Submission:

Labcorp Genetics (formerly Invitae), Labcorp
Classification: Uncertain significance. Last evaluated: 2022-08-16. Review status: criteria provided, single submitter. Criteria: Invitae Variant Classification Sherloc (09022015). Collection method: clinical testing. Allele origin: germline.
Comment: This sequence change replaces threonine, which is neutral and polar, with methionine, which is neutral and non-polar, at codon 307 of the COQ9 protein (p.Thr307Met). This variant is present in population databases (rs780563472, gnomAD 0.01%). This variant has not been reported in the literature in individuals affected with COQ9-related conditions. Algorithms developed to predict the effect of missense changes on protein structure and function are either unavailable or do not agree on the potential impact of this missense change (SIFT: "Deleterious"; PolyPhen-2: "Possibly Damaging"; Align-GVGD: "Class C0"). In summary, the available evidence is currently insufficient to determine the role of this variant in disease. Therefore, it has been classified as a Variant of Uncertain Significance.